The following is an entry in ClinVar:

ClinVar aggregate classification (germline): Benign. Review status: criteria provided, single submitter (1 of 4 stars). 2 submissions from 2 submitters: Benign (1). 1 of the submissions does not count toward it. Last evaluated 2018-03-09.

Conditions:
Major depressive disorder, response to citalopram therapy in. Identifiers: MedGen C4016374.

Allele frequency attached by ClinVar (database versions not stated): 1000 Genomes Project 0.72724; 1000 Genomes Project 30x 0.73173; TOPMed 0.71894; gnomAD 0.68670 and 0.69143.
gnomAD v4.1: 104,464 of 152,198 alleles (69%); highest among the groups gnomAD compares: African/African-American, 93%; 37,960 homozygotes.

Submissions (2):

GeneDx
Classification: Benign. Last evaluated: 2018-03-09. Review status: criteria provided, single submitter. Criteria: GeneDx Variant Classification (06012015). Collection method: clinical testing. Allele origin: germline. Affected: yes.
Comment: This variant is considered likely benign or benign based on one or more of the following criteria: it is a conservative change, it occurs at a poorly conserved position in the protein, it is predicted to be benign by multiple in silico algorithms, and/or has population frequency not consistent with disease.

OMIM
Classification: drug response for MAJOR DEPRESSIVE DISORDER, RESPONSE TO CITALOPRAM THERAPY IN. Last evaluated: 2006-05-01. Review status: no assertion criteria provided. Collection method: literature only. Allele origin: germline. Not counted in ClinVar's aggregate classification.

Literature cited by the submitters: PubMed 16642436 (cited by OMIM).

NM_000621.5(HTR2A):c.614-2211T>C

Gene: HTR2A (5-hydroxytryptamine receptor 2A; minus strand). Cytogenetic location: 13q14.2.
Variant type: single nucleotide variant.
Coding change: c.614-2211T>C on transcript NM_000621.5 (MANE Select); 2211 bases into the intron before coding-DNA position 614, T replaced by C.
Molecular consequence: intron variant.
Genome position (GRCh38, 1-based): chr13:46,837,850, A>G on the plus strand (T>C on the coding strand, the complement: HTR2A is on the minus strand). VCF-style: chr13-46837850-A-G. GRCh37 (hg19) VCF-style: chr13-47411985-A-G.
Other names: IVS2, A-G; c.614-2211T>C (NM_001378924.1); c.125-2211T>C (NM_001165947.5).
Identifiers: ClinVar variation 226025 (VCV000226025.3), dbSNP rs7997012, ClinGen allele CA10576172.